The following is an entry in ClinVar:

ClinVar aggregate classification (germline): Pathogenic. Review status: criteria provided, multiple submitters, no conflicts (2 of 4 stars). 4 submissions from 4 submitters: Pathogenic (3). 1 of the submissions does not count toward it. Last evaluated 2024-12-02.

Conditions:
Severe early-childhood-onset retinal dystrophy (STGD1). Also called: MACULAR DYSTROPHY WITH FLECKS, TYPE 1; STGD; Stargardt macular dystrophy; Juvenile onset macular degeneration; Stargardt disease 1. Identifiers: Orphanet 364055, Orphanet 827, MedGen C1855465, MeSH D000080362, MONDO:0009549, OMIM 248200.
Retinitis pigmentosa (RP). Identifiers: Orphanet 791, MedGen C0035334, MeSH D012174, MONDO:0019200, OMIM 268000. Inheritance: Autosomal dominant, autosomal recessive and X linked inheritance.

gnomAD v4.1: 1 of 1,614,124 alleles (0.000062%); highest among the groups gnomAD compares: Non-Finnish European, 0.000085%; no homozygotes.

Submissions (4):

Labcorp Genetics (formerly Invitae), Labcorp
Classification: Pathogenic. Last evaluated: 2024-12-02. Review status: criteria provided, single submitter. Criteria: Invitae Variant Classification Sherloc (09022015). Collection method: clinical testing. Allele origin: germline.
Comment: This sequence change replaces alanine, which is neutral and non-polar, with glutamic acid, which is acidic and polar, at codon 1357 of the ABCA4 protein (p.Ala1357Glu). This variant is not present in population databases (gnomAD no frequency). This missense change has been observed in individuals with clinical features of retinitis pigmentosa (PMID: 23982839; internal data). ClinVar contains an entry for this variant (Variation ID: 623693). Invitae Evidence Modeling of protein sequence and biophysical properties (such as structural, functional, and spatial information, amino acid conservation, physicochemical variation, residue mobility, and thermodynamic stability) indicates that this missense variant is expected to disrupt ABCA4 protein function with a positive predictive value of 95%. This variant disrupts the p.Ala1357 amino acid residue in ABCA4. Other variant(s) that disrupt this residue have been determined to be pathogenic (PMID: 22229821, 23755871, 29847635). This suggests that this residue is clinically significant, and that variants that disrupt this residue are likely to be disease-causing. For these reasons, this variant has been classified as Pathogenic.

Women's Health and Genetics/Laboratory Corporation of America, LabCorp
Classification: Pathogenic for Retinitis pigmentosa. Last evaluated: 2024-10-22. Review status: criteria provided, single submitter. Criteria: LabCorp Variant Classification Summary - May 2015. Collection method: clinical testing. Allele origin: germline.
Comment: Variant summary: ABCA4 c.4070C>A (p.Ala1357Glu) results in a non-conservative amino acid change in the encoded protein sequence. Five of five in-silico tools predict a damaging effect of the variant on protein function. The variant was absent in 250020 control chromosomes (gnomAD). c.4070C>A has been reported in the literature in multiple individuals affected with Retinitis Pigmentosa (Fujinami_2013, Sung_2020, Chen_2021, Cornelis_2022, Li_2022). These data indicate that the variant is very likely to be associated with disease. A different variant affecting the same codon has been classified as pathogenic by our lab (c.4070C>T, p.Ala1357Val), supporting the critical relevance of codon 1357 to ABCA4 protein function. To our knowledge, no experimental evidence demonstrating an impact on protein function has been reported. The following publications have been ascertained in the context of this evaluation (PMID: 23982839, 33608557, 35120629, 38219857, 33261146). ClinVar contains an entry for this variant (Variation ID: 623693). Based on the evidence outlined above, the variant was classified as pathogenic.

CeGaT Center for Human Genetics Tuebingen
Classification: Pathogenic. Last evaluated: 2021-06-01. Review status: criteria provided, single submitter. Criteria: CeGaT Center For Human Genetics Tuebingen Variant Classification Criteria Version 2. Collection method: clinical testing. Allele origin: germline. Affected: yes. Observed: 3 variant alleles.

Ophthalmo-Genetics Lab, Instituto de Oftalmologia Conde de Valenciana
Classification: Pathogenic for Severe early-childhood-onset retinal dystrophy. Review status: no assertion criteria provided. Collection method: research. Allele origin: germline. Inheritance: Autosomal recessive inheritance. Affected: yes. Not counted in ClinVar's aggregate classification.

Literature cited by the submitters: PubMed 23982839 (cited by Labcorp Genetics (formerly Invitae), Labcorp and Women's Health and Genetics/Laboratory Corporation of America, LabCorp); PubMed 22229821 (cited by Labcorp Genetics (formerly Invitae), Labcorp); PubMed 23755871 (cited by Labcorp Genetics (formerly Invitae), Labcorp); PubMed 29847635 (cited by Labcorp Genetics (formerly Invitae), Labcorp and Ophthalmo-Genetics Lab, Instituto de Oftalmologia Conde de Valenciana); PubMed 33261146 (cited by Women's Health and Genetics/Laboratory Corporation of America, LabCorp); PubMed 35120629 (cited by Women's Health and Genetics/Laboratory Corporation of America, LabCorp); PubMed 33608557 (cited by Women's Health and Genetics/Laboratory Corporation of America, LabCorp); PubMed 38219857 (cited by Women's Health and Genetics/Laboratory Corporation of America, LabCorp).

NM_000350.3(ABCA4):c.4070C>A (p.Ala1357Glu)

Gene: ABCA4 (ATP binding cassette subfamily A member 4; minus strand). Cytogenetic location: 1p22.1.
Variant type: single nucleotide variant.
Coding change: c.4070C>A on transcript NM_000350.3 (MANE Select); coding-DNA position 4070, C replaced by A.
Protein change: p.Ala1357Glu; replaces alanine 1357 with glutamic acid.
Molecular consequence: missense variant.
Genome position (GRCh38, 1-based): chr1:94,031,836, G>T on the plus strand (C>A on the coding strand, the complement: ABCA4 is on the minus strand). VCF-style: chr1-94031836-G-T. GRCh37 (hg19) VCF-style: chr1-94497392-G-T.
Other names: c.3848C>A, p.Ala1283Glu (NM_001425324.1); short protein forms A1357E, A1283E.
Identifiers: ClinVar variation 623693 (VCV000623693.53), dbSNP rs552517556, ClinGen allele CA341286986.